The following is an entry in ClinVar:

ClinVar aggregate classification (germline): Benign/Likely benign. Review status: criteria provided, multiple submitters, no conflicts (2 of 4 stars). 3 submissions from 3 submitters: Benign (1); Likely benign (2). Last evaluated 2025-10-02.

Conditions:
Hereditary nonpolyposis colorectal neoplasms. Identifiers: MedGen C0009405, MeSH D003123.
Hereditary cancer-predisposing syndrome. Also called: Tumor predisposition; Neoplastic Syndromes, Hereditary; Hereditary neoplastic syndrome; Hereditary Cancer Syndrome. Identifiers: Orphanet 140162, MedGen C0027672, MeSH D009386, MONDO:0015356.
Lynch syndrome 4 (LYNCH4). Also called: Colorectal cancer, hereditary nonpolyposis, type 4; Hereditary non-polyposis colorectal cancer, type 4. Identifiers: Orphanet 144, MedGen C1838333, MONDO:0013699, OMIM 614337. Disease mechanism: loss of function.

Allele frequency attached by ClinVar (database versions not stated): gnomAD exomes below 0.00001.
gnomAD v4.1: 2 of 1,611,692 alleles (0.00012%); highest among the groups gnomAD compares: Non-Finnish European, 0.00017%; no homozygotes.

Submissions (3):

Ambry Genetics
Classification: Likely benign for Hereditary cancer-predisposing syndrome. Last evaluated: 2025-10-02. Review status: criteria provided, single submitter. Criteria: Ambry Variant Classification Scheme 2023. Collection method: clinical testing. Allele origin: germline.

Myriad Genetics, Inc.
Classification: Benign for Lynch syndrome 4. Last evaluated: 2025-01-24. Review status: criteria provided, single submitter. Criteria: Myriad Autosomal Dominant, Autosomal Recessive and X-Linked Classification Criteria (2023). Collection method: clinical testing. Allele origin: unknown.
Comment: This variant is considered benign. This variant is a silent/synonymous amino acid change and it is not expected to impact splicing.

Labcorp Genetics (formerly Invitae), Labcorp
Classification: Likely benign for Hereditary nonpolyposis colorectal neoplasms. Last evaluated: 2016-06-24. Review status: criteria provided, single submitter. Criteria: Invitae Variant Classification Sherloc (09022015). Collection method: clinical testing. Allele origin: germline.

NM_000535.7(PMS2):c.372C>T (p.Thr124=)

Gene: PMS2 (PMS1 homolog 2, mismatch repair system component; minus strand). Cytogenetic location: 7p22.1.
Variant type: single nucleotide variant.
Coding change: c.372C>T on transcript NM_000535.7 (MANE Select); coding-DNA position 372, C replaced by T.
Protein change: p.Thr124=; no amino-acid change (threonine 124 retained).
Molecular consequence: synonymous variant. On other transcripts: 5 prime UTR variant (8), non-coding transcript variant (1).
Genome position (GRCh38, 1-based): chr7:6,002,618, G>A on the plus strand (C>T on the coding strand, the complement: PMS2 is on the minus strand). VCF-style: chr7-6002618-G-A. GRCh37 (hg19) VCF-style: chr7-6042249-G-A.
Other names: c.-34C>T (NM_001322003.2, NM_001322004.2, NM_001322005.2 and 3 more transcripts); c.372C>T, p.Thr124= (NM_001322006.2, NM_001322014.2); c.54C>T, p.Thr18= (NM_001322007.2, NM_001322008.2); c.-513C>T (NM_001322011.2, NM_001322012.2); c.63C>T, p.Thr21= (NM_001322015.2).
Identifiers: ClinVar variation 416555 (VCV000416555.13), dbSNP rs1060504836, ClinGen allele CA16612403.